The following is an entry in ClinVar:

ClinVar aggregate classification (germline): Uncertain significance. Review status: criteria provided, multiple submitters, no conflicts (2 of 4 stars). 2 submissions from 2 submitters: Uncertain significance (2). Last evaluated 2024-10-26.

Conditions:
Neuroblastoma, susceptibility to, 3. Also called: ALK-Related Neuroblastic Tumor Susceptibility. Identifiers: Orphanet 635, MedGen C2751681, MONDO:0013083, OMIM 613014.
Hereditary cancer-predisposing syndrome. Also called: Neoplastic Syndromes, Hereditary; Tumor predisposition; Hereditary Cancer Syndrome; Hereditary neoplastic syndrome. Identifiers: Orphanet 140162, MedGen C0027672, MeSH D009386, MONDO:0015356.

Allele frequency attached by ClinVar (database versions not stated): gnomAD exomes below 0.00001.
gnomAD v4.1: 1 of 1,551,636 alleles (0.000064%); highest among the groups gnomAD compares: Non-Finnish European, 0.000087%; no homozygotes.

Submissions (2):

Ambry Genetics
Classification: Uncertain significance for Hereditary cancer-predisposing syndrome. Last evaluated: 2024-10-26. Review status: criteria provided, single submitter. Criteria: Ambry Variant Classification Scheme 2023. Collection method: clinical testing. Allele origin: germline.
Comment: The p.A105T variant (also known as c.313G>A), located in coding exon 1 of the ALK gene, results from a G to A substitution at nucleotide position 313. The alanine at codon 105 is replaced by threonine, an amino acid with similar properties. This amino acid position is conserved. In addition, this alteration is predicted to be tolerated by in silico analysis. Based on the available evidence, the clinical significance of this variant remains unclear.

Labcorp Genetics (formerly Invitae), Labcorp
Classification: Uncertain significance for Neuroblastoma, susceptibility to, 3. Last evaluated: 2022-10-08. Review status: criteria provided, single submitter. Criteria: Invitae Variant Classification Sherloc (09022015). Collection method: clinical testing. Allele origin: germline.
Comment: This variant is not present in population databases (gnomAD no frequency). This sequence change replaces alanine, which is neutral and non-polar, with threonine, which is neutral and polar, at codon 105 of the ALK protein (p.Ala105Thr). This variant has not been reported in the literature in individuals affected with ALK-related conditions. In summary, the available evidence is currently insufficient to determine the role of this variant in disease. Therefore, it has been classified as a Variant of Uncertain Significance. Algorithms developed to predict the effect of missense changes on protein structure and function (SIFT, PolyPhen-2, Align-GVGD) all suggest that this variant is likely to be tolerated. ClinVar contains an entry for this variant (Variation ID: 538238).

NM_004304.5(ALK):c.313G>A (p.Ala105Thr)

Gene: ALK (ALK receptor tyrosine kinase; minus strand). Cytogenetic location: 2p23.1.
Variant type: single nucleotide variant.
Coding change: c.313G>A on transcript NM_004304.5 (MANE Select); coding-DNA position 313, G replaced by A.
Protein change: p.Ala105Thr; replaces alanine 105 with threonine.
Molecular consequence: missense variant.
Genome position (GRCh38, 1-based): chr2:29,920,347, C>T on the plus strand (G>A on the coding strand, the complement: ALK is on the minus strand). VCF-style: chr2-29920347-C-T. GRCh37 (hg19) VCF-style: chr2-30143213-C-T.
Other names: short protein forms A105T.
Identifiers: ClinVar variation 538238 (VCV000538238.9), dbSNP rs1553380367, ClinGen allele CA346590279.